The following is an entry in ClinVar:

ClinVar aggregate classification (germline): Uncertain significance (1 of 4 stars; one submission).

Conditions:
Familial hemophagocytic lymphohistiocytosis 3 (FHL3). Also called: UNC13D-Related Familial Hemophagocytic Lymphohistiocytosis (UNC13D-fHLH). Identifiers: Orphanet 540, MedGen C1837174, MONDO:0012146, OMIM 608898.

Submission:

Labcorp Genetics (formerly Invitae), Labcorp
Classification: Uncertain significance for Familial hemophagocytic lymphohistiocytosis 3. Last evaluated: 2022-07-12. Review status: criteria provided, single submitter. Criteria: Invitae Variant Classification Sherloc (09022015). Collection method: clinical testing. Allele origin: germline.
Comment: This variant has not been reported in the literature in individuals affected with UNC13D-related conditions. ClinVar contains an entry for this variant (Variation ID: 1387602). Algorithms developed to predict the effect of missense changes on protein structure and function output the following: SIFT: "Not Available"; PolyPhen-2: "Benign"; Align-GVGD: "Not Available". The leucine amino acid residue is found in multiple mammalian species, which suggests that this missense change does not adversely affect protein function. In summary, the available evidence is currently insufficient to determine the role of this variant in disease. Therefore, it has been classified as a Variant of Uncertain Significance. This variant is not present in population databases (gnomAD no frequency). This sequence change replaces valine with leucine at codon 144 of the UNC13D protein (p.Val144Leu). The valine residue is weakly conserved and there is a small physicochemical difference between valine and leucine.

NM_199242.3(UNC13D):c.430G>T (p.Val144Leu)

Gene: UNC13D (unc-13 homolog D; minus strand). Cytogenetic location: 17q25.1.
Variant type: single nucleotide variant.
Coding change: c.430G>T on transcript NM_199242.3 (MANE Select); coding-DNA position 430, G replaced by T.
Protein change: p.Val144Leu; replaces valine 144 with leucine.
Molecular consequence: missense variant.
Genome position (GRCh38, 1-based): chr17:75,842,572, C>A on the plus strand (G>T on the coding strand, the complement: UNC13D is on the minus strand). VCF-style: chr17-75842572-C-A. GRCh37 (hg19) VCF-style: chr17-73838653-C-A.
Other names: short protein forms V144L.
Identifiers: ClinVar variation 1387602 (VCV001387602.6), dbSNP rs987855651, ClinGen allele CA401114522.